The following is an entry in ClinVar:

ClinVar aggregate classification (germline): Conflicting classifications of pathogenicity. Review status: criteria provided, conflicting classifications (1 of 4 stars). 5 submissions from 5 submitters: Uncertain significance (1); Likely benign (3). 1 of the submissions does not count toward it. Last evaluated 2025-11-25.

Conditions:
Inborn genetic diseases. Identifiers: MedGen C0950123, MeSH D030342.
FAT1-related disorder. Also called: FAT1-related condition.

Allele frequency attached by ClinVar (database versions not stated): gnomAD exomes 0.00016 and 0.00038; 1000 Genomes Project 0.00020; ExAC 0.00030; gnomAD 0.00004 and 0.00005; TOPMed 0.00013; 1000 Genomes Project 30x 0.00016.
gnomAD v4.1: 105 of 1,614,022 alleles (0.0065%); highest among the groups gnomAD compares: Admixed American, 0.17%; no homozygotes.

Submissions (5):

Labcorp Genetics (formerly Invitae), Labcorp
Classification: Likely benign. Last evaluated: 2025-11-25. Review status: criteria provided, single submitter. Criteria: Invitae Variant Classification Sherloc (09022015). Collection method: clinical testing. Allele origin: germline.

Mayo Clinic Laboratories, Mayo Clinic
Classification: Likely benign. Last evaluated: 2025-07-11. Review status: criteria provided, single submitter. Criteria: ACMG Guidelines, 2015. Collection method: clinical testing. Allele origin: germline. Observed: 1 variant allele.
Comment: BS1, BP4_moderate

GeneDx
Classification: Uncertain significance. Last evaluated: 2025-04-27. Review status: criteria provided, single submitter. Criteria: GeneDx Variant Classification Process June 2021. Collection method: clinical testing. Allele origin: germline. Affected: yes.
Comment: In silico analysis indicates that this missense variant does not alter protein structure/function; Has not been previously published as pathogenic or benign to our knowledge

Ambry Genetics
Classification: Likely benign for Inborn genetic diseases. Last evaluated: 2025-04-10. Review status: criteria provided, single submitter. Criteria: Ambry Variant Classification Scheme 2023. Collection method: clinical testing. Allele origin: germline.

PreventionGenetics, part of Exact Sciences
Classification: Likely benign for FAT1-related condition. Last evaluated: 2022-03-03. Review status: no assertion criteria provided. Collection method: clinical testing. Allele origin: germline. Not counted in ClinVar's aggregate classification.
Comment: This variant is classified as likely benign based on ACMG/AMP sequence variant interpretation guidelines (Richards et al. 2015 PMID: 25741868, with internal and published modifications).

NM_005245.4(FAT1):c.3535A>T (p.Thr1179Ser)

Gene: FAT1 (FAT atypical cadherin 1; minus strand). Cytogenetic location: 4q35.2.
Variant type: single nucleotide variant.
Coding change: c.3535A>T on transcript NM_005245.4 (MANE Select); coding-DNA position 3535, A replaced by T.
Protein change: p.Thr1179Ser; replaces threonine 1179 with serine.
Molecular consequence: missense variant.
Genome position (GRCh38, 1-based): chr4:186,663,344, T>A on the plus strand (A>T on the coding strand, the complement: FAT1 is on the minus strand). VCF-style: chr4-186663344-T-A. GRCh37 (hg19) VCF-style: chr4-187584498-T-A.
Other names: p.Thr1179Ser; c.3535A>T (NM_005245.3); short protein forms T1179S.
Identifiers: ClinVar variation 1561253 (VCV001561253.13), dbSNP rs200917026, ClinGen allele CA3166998.